The following is an entry in ClinVar:

ClinVar aggregate classification (germline): Uncertain significance (1 of 4 stars; one submission).

Conditions:
Townes syndrome (TBS). Also called: Townes-Brocks syndrome. Identifiers: Orphanet 857, MedGen C0265246, MeSH C536974, MONDO:0007142.

Submission:

Labcorp Genetics (formerly Invitae), Labcorp
Classification: Uncertain significance for Townes syndrome. Last evaluated: 2024-12-16. Review status: criteria provided, single submitter. Criteria: Invitae Variant Classification Sherloc (09022015). Collection method: clinical testing. Allele origin: germline.
Comment: This sequence change replaces arginine, which is basic and polar, with glycine, which is neutral and non-polar, at codon 426 of the SALL1 protein (p.Arg426Gly). This variant is not present in population databases (gnomAD no frequency). This variant has not been reported in the literature in individuals affected with SALL1-related conditions. Invitae Evidence Modeling of protein sequence and biophysical properties (such as structural, functional, and spatial information, amino acid conservation, physicochemical variation, residue mobility, and thermodynamic stability) indicates that this missense variant is expected to disrupt SALL1 protein function with a positive predictive value of 80%. In summary, the available evidence is currently insufficient to determine the role of this variant in disease. Therefore, it has been classified as a Variant of Uncertain Significance.

NM_002968.3(SALL1):c.1276A>G (p.Arg426Gly)

Gene: SALL1 (spalt like transcription factor 1; minus strand). Cytogenetic location: 16q12.1.
Variant type: single nucleotide variant.
Coding change: c.1276A>G on transcript NM_002968.3 (MANE Select); coding-DNA position 1276, A replaced by G.
Protein change: p.Arg426Gly; replaces arginine 426 with glycine.
Molecular consequence: missense variant.
Genome position (GRCh38, 1-based): chr16:51,140,946, T>C on the plus strand (A>G on the coding strand, the complement: SALL1 is on the minus strand). VCF-style: chr16-51140946-T-C. GRCh37 (hg19) VCF-style: chr16-51174857-T-C.
Other names: c.985A>G, p.Arg329Gly (NM_001127892.2); short protein forms R329G, R426G.
Identifiers: ClinVar variation 3615061 (VCV003615061.2).
Genomic context (GRCh38, chr16:51,140,946, plus strand): 5'-ATGCCTCATCGGAAGTACTTTTCGCTTCAAAGGCAGTGACATTTGGTGGCTTGCTTTTTC[T>C]TTGCTGGGCCAAGGCAGACAAGGAGTTTAAATCCTCTGCAGTTGTTCCGATGTTGGGCAA-3'
Protein context (NP_002959.2, residues 416-436): LNSLSALAQQ[Arg426Gly]KSKPPNVTAF